The following is an entry in ClinVar:

ClinVar aggregate classification (germline): Uncertain significance (1 of 4 stars; one submission).

Conditions:
Accelerated tumor formation, susceptibility to (ACTFS). Identifiers: MedGen C3280690, OMIM 614401, MONDO:0013733.

Submission:

Labcorp Genetics (formerly Invitae), Labcorp
Classification: Uncertain significance for Accelerated tumor formation, susceptibility to. Last evaluated: 2024-05-08. Review status: criteria provided, single submitter. Criteria: Invitae Variant Classification Sherloc (09022015). Collection method: clinical testing. Allele origin: germline.
Comment: This sequence change replaces aspartic acid, which is acidic and polar, with asparagine, which is neutral and polar, at codon 261 of the MDM2 protein (p.Asp261Asn). The frequency data for this variant in the population databases is considered unreliable, as metrics indicate poor data quality at this position in the gnomAD database. This variant has not been reported in the literature in individuals affected with MDM2-related conditions. Algorithms developed to predict the effect of missense changes on protein structure and function output the following: SIFT: "Not Available"; PolyPhen-2: "Probably Damaging"; Align-GVGD: "Not Available". The asparagine amino acid residue is found in multiple mammalian species, which suggests that this missense change does not adversely affect protein function. In summary, the available evidence is currently insufficient to determine the role of this variant in disease. Therefore, it has been classified as a Variant of Uncertain Significance.

NM_002392.6(MDM2):c.781G>A (p.Asp261Asn)

Gene: MDM2 (MDM2 proto-oncogene; plus strand). Cytogenetic location: 12q15.
Variant type: single nucleotide variant.
Coding change: c.781G>A on transcript NM_002392.6 (MANE Select); coding-DNA position 781, G replaced by A.
Protein change: p.Asp261Asn; replaces aspartic acid 261 with asparagine.
Molecular consequence: missense variant. On other transcripts: intron variant (1).
Genome position (GRCh38, 1-based): chr12:68,835,925, G>A. VCF-style: chr12-68835925-G-A. GRCh37 (hg19) VCF-style: chr12-69229705-G-A.
Other names: c.616G>A, p.Asp206Asn (NM_001145339.2); c.253G>A, p.Asp85Asn (NM_001145340.3, NM_001278462.2); c.763G>A, p.Asp255Asn (NM_001367990.1); c.681+82G>A (NM_001145337.3); short protein forms D85N, D261N, D206N, D255N.
Identifiers: ClinVar variation 3652693 (VCV003652693.2).